The following is an entry in ClinVar:

ClinVar aggregate classification (germline): Uncertain significance (1 of 4 stars; one submission).

Conditions:
Emery-Dreifuss muscular dystrophy 5, autosomal dominant (EDMD5). Also called: EMERY-DREIFUSS MUSCULAR DYSTROPHY 5. Identifiers: Orphanet 261, MedGen C2751805, MONDO:0013072, OMIM 612999.

Allele frequency attached by ClinVar (database versions not stated): gnomAD exomes 0.00002.
gnomAD v4.1: 33 of 1,613,930 alleles (0.002%); highest among the groups gnomAD compares: Non-Finnish European, 0.0028%; no homozygotes.

Submission:

Labcorp Genetics (formerly Invitae), Labcorp
Classification: Uncertain significance for Emery-Dreifuss muscular dystrophy 5, autosomal dominant. Last evaluated: 2024-06-12. Review status: criteria provided, single submitter. Criteria: Invitae Variant Classification Sherloc (09022015). Collection method: clinical testing. Allele origin: germline.
Comment: This sequence change affects a donor splice site in intron 57 of the SYNE2 gene. It is expected to disrupt RNA splicing. Variants that disrupt the donor or acceptor splice site typically lead to a loss of protein function (PMID: 16199547), however the current clinical and genetic evidence is not sufficient to establish whether loss-of-function variants in SYNE2 cause disease. This variant is present in population databases (no rsID available, gnomAD 0.0009%). This variant has not been reported in the literature in individuals affected with SYNE2-related conditions. Algorithms developed to predict the effect of sequence changes on RNA splicing suggest that this variant may disrupt the consensus splice site. In summary, the available evidence is currently insufficient to determine the role of this variant in disease. Therefore, it has been classified as a Variant of Uncertain Significance.

Literature cited by the submitters: PubMed 16199547.

NM_182914.3(SYNE2):c.11484+1G>T

Gene: SYNE2 (spectrin repeat containing nuclear envelope protein 2; plus strand). Cytogenetic location: 14q23.2.
Variant type: single nucleotide variant.
Coding change: c.11484+1G>T on transcript NM_182914.3 (MANE Select); the canonical splice donor site of the intron after coding-DNA position 11484, G replaced by T.
Molecular consequence: splice donor variant.
Genome position (GRCh38, 1-based): chr14:64,081,581, G>T. VCF-style: chr14-64081581-G-T. GRCh37 (hg19) VCF-style: chr14-64548299-G-T.
Other names: c.11484+1G>T (NM_015180.6).
Identifiers: ClinVar variation 2919691 (VCV002919691.3), dbSNP rs966719854, ClinGen allele CA261806669.